The following is an entry in ClinVar:

ClinVar aggregate classification (germline): Likely benign (1 of 4 stars; one submission).

Submission:

GeneDx
Classification: Likely benign. Last evaluated: 2021-12-01. Review status: criteria provided, single submitter. Criteria: GeneDx Variant Classification Process June 2021. Collection method: clinical testing. Allele origin: germline. Affected: yes.
Comment: See Variant Classification Assertion Criteria.

NM_014874.4(MFN2):c.-149-46_-149-45insGTTTTTTTTT

Gene: MFN2 (mitofusin 2; plus strand). Cytogenetic location: 1p36.22.
Variant type: Microsatellite.
Coding change: c.-149-46_-149-45insGTTTTTTTTT on transcript NM_014874.4 (MANE Select); 46 bases into the intron before 149 bases upstream of the start codon through 45 bases into the intron before 149 bases upstream of the start codon, GTTTTTTTTT inserted.
Molecular consequence: intron variant.
Genome position: GRCh38 VCF-style: chr1-11981920-G-GTTTTGTTTTT. GRCh37 (hg19) VCF-style: chr1-12041977-G-GTTTTGTTTTT.
Other names: c.-5+1440_-5+1441insGTTTTTTTTT (NM_001127660.2).
Identifiers: ClinVar variation 1691171 (VCV001691171.2), dbSNP rs763918741.